The following is an entry in ClinVar:

NM_002582.4(PARN):c.664C>G (p.Pro222Ala)

Gene: PARN (poly(A)-specific ribonuclease; minus strand). Cytogenetic location: 16p13.12.
Variant type: single nucleotide variant.
Coding change: c.664C>G on transcript NM_002582.4 (MANE Select); coding-DNA position 664, C replaced by G.
Protein change: p.Pro222Ala; replaces proline 222 with alanine.
Molecular consequence: missense variant.
Genome position (GRCh38, 1-based): chr16:14,606,522, G>C on the plus strand (C>G on the coding strand, the complement: PARN is on the minus strand). VCF-style: chr16-14606522-G-C. GRCh37 (hg19) VCF-style: chr16-14700379-G-C.
Other names: c.481C>G, p.Pro161Ala (NM_001134477.3); c.526C>G, p.Pro176Ala (NM_001242992.2); short protein forms P161A, P222A, P176A.
Identifiers: ClinVar variation 1365105 (VCV001365105.8), dbSNP rs1971195178, ClinGen allele CA394808346.

ClinVar aggregate classification (germline): Uncertain significance (1 of 4 stars; one submission).

Conditions:
Dyskeratosis congenita, autosomal recessive 6 (DKCB6). Identifiers: MedGen C4225356, MONDO:0014600, OMIM 616353.
Pulmonary fibrosis and/or bone marrow failure, Telomere-related, 4. Also called: PULMONARY FIBROSIS AND/OR BONE MARROW FAILURE SYNDROME, TELOMERE-RELATED, 4. Identifiers: Orphanet 2032, MedGen C4225347, MONDO:0014612, OMIM 616371.

Submission:

Labcorp Genetics (formerly Invitae), Labcorp
Classification: Uncertain significance for Dyskeratosis congenita, autosomal recessive 6; Pulmonary fibrosis and/or bone marrow failure, Telomere-related, 4. Last evaluated: 2021-07-01. Review status: criteria provided, single submitter. Criteria: Invitae Variant Classification Sherloc (09022015). Collection method: clinical testing. Allele origin: germline.
Comment: This sequence change replaces proline with alanine at codon 222 of the PARN protein (p.Pro222Ala). The proline residue is highly conserved and there is a small physicochemical difference between proline and alanine. This variant is not present in population databases (ExAC no frequency). This variant has not been reported in the literature in individuals affected with PARN-related conditions. Algorithms developed to predict the effect of missense changes on protein structure and function are either unavailable or do not agree on the potential impact of this missense change (SIFT: "Tolerated"; PolyPhen-2: "Possibly Damaging"; Align-GVGD: "Class C0"). Algorithms developed to predict the effect of sequence changes on RNA splicing suggest that this variant may create or strengthen a splice site. In summary, the available evidence is currently insufficient to determine the role of this variant in disease. Therefore, it has been classified as a Variant of Uncertain Significance.